The following is an entry in ClinVar:

NM_000587.4(C7):c.1451C>T (p.Ala484Val)

Gene: C7 (complement C7; plus strand). Cytogenetic location: 5p13.1.
Variant type: single nucleotide variant.
Coding change: c.1451C>T on transcript NM_000587.4 (MANE Select); coding-DNA position 1451, C replaced by T.
Protein change: p.Ala484Val; replaces alanine 484 with valine.
Molecular consequence: missense variant.
Genome position (GRCh38, 1-based): chr5:40,958,223, C>T. VCF-style: chr5-40958223-C-T. GRCh37 (hg19) VCF-style: chr5-40958325-C-T.
Other names: c.1451C>T (NM_000587.2); short protein forms A484V.
Identifiers: ClinVar variation 1014362 (VCV001014362.8), dbSNP rs369097905, ClinGen allele CA3249968.
Genomic context (GRCh38, chr5:40,958,223, plus strand): 5'-GTTTGGCTACTGTTGAGGGGACCCATTGTCTGTGCCATTGCAAACCGTACACATTTGGTG[C>T]GGCGTGTGAGCAAGGAGTCCTCGTAGGGAATCAAGCAGGTCAGTGGGGTGAATTTTCTCT-3'
Protein context (NP_000578.2, residues 474-494): LCHCKPYTFG[Ala484Val]ACEQGVLVGN

ClinVar aggregate classification (germline): Conflicting classifications of pathogenicity. Review status: criteria provided, conflicting classifications (1 of 4 stars). 5 submissions from 5 submitters: Uncertain significance (3); Likely benign (2). Last evaluated 2024-09-20.

Conditions:
Complement component 7 deficiency (C7D). Also called: C7 DEFICIENCY. Identifiers: MedGen C1864694, MONDO:0012412, OMIM 610102.
Inborn genetic diseases. Identifiers: MedGen C0950123, MeSH D030342.

Allele frequency attached by ClinVar (database versions not stated): ESP Exome Variant Server 0.00008; gnomAD exomes 0.00009 and 0.00014; gnomAD 0.00010 and 0.00014; ExAC 0.00012; TOPMed 0.00016.
gnomAD v4.1: 145 of 1,611,244 alleles (0.009%); highest among the groups gnomAD compares: African/African-American, 0.024%; no homozygotes.

Submissions (5):

Blueprint Genetics
Classification: Likely benign. Last evaluated: 2024-09-20. Review status: criteria provided, single submitter. Criteria: ACMG Guidelines, 2015. Collection method: clinical testing. Allele origin: germline.

GeneDx
Classification: Uncertain significance. Last evaluated: 2023-11-02. Review status: criteria provided, single submitter. Criteria: GeneDx Variant Classification Process June 2021. Collection method: clinical testing. Allele origin: germline. Affected: yes.
Comment: In silico analysis supports that this missense variant does not alter protein structure/function; Has not been previously published as pathogenic or benign to our knowledge

Ambry Genetics
Classification: Likely benign for Inborn genetic diseases. Last evaluated: 2023-03-20. Review status: criteria provided, single submitter. Criteria: Ambry Variant Classification Scheme 2023. Collection method: clinical testing. Allele origin: germline.

Labcorp Genetics (formerly Invitae), Labcorp
Classification: Uncertain significance. Last evaluated: 2022-10-18. Review status: criteria provided, single submitter. Criteria: Invitae Variant Classification Sherloc (09022015). Collection method: clinical testing. Allele origin: germline.
Comment: This sequence change replaces alanine, which is neutral and non-polar, with valine, which is neutral and non-polar, at codon 484 of the C7 protein (p.Ala484Val). This variant is present in population databases (rs369097905, gnomAD 0.03%). This variant has not been reported in the literature in individuals affected with C7-related conditions. ClinVar contains an entry for this variant (Variation ID: 1014362). Advanced modeling of protein sequence and biophysical properties (such as structural, functional, and spatial information, amino acid conservation, physicochemical variation, residue mobility, and thermodynamic stability) performed at Invitae indicates that this missense variant is not expected to disrupt C7 protein function. In summary, the available evidence is currently insufficient to determine the role of this variant in disease. Therefore, it has been classified as a Variant of Uncertain Significance.

Fulgent Genetics
Classification: Uncertain significance for Complement component 7 deficiency. Last evaluated: 2021-12-06. Review status: criteria provided, single submitter. Criteria: ACMG Guidelines, 2015. Collection method: clinical testing. Allele origin: unknown.